The following is an entry in ClinVar:

NM_173628.4(DNAH17):c.12915+7G>T

Gene: DNAH17 (dynein axonemal heavy chain 17; minus strand). Cytogenetic location: 17q25.3.
Variant type: single nucleotide variant.
Coding change: c.12915+7G>T on transcript NM_173628.4 (MANE Select); 7 bases into the intron after coding-DNA position 12915, G replaced by T.
Molecular consequence: intron variant.
Genome position (GRCh38, 1-based): chr17:78,426,450, C>A on the plus strand (G>T on the coding strand, the complement: DNAH17 is on the minus strand). VCF-style: chr17-78426450-C-A. GRCh37 (hg19) VCF-style: chr17-76422531-C-A.
Identifiers: ClinVar variation 3038407 (VCV003038407.2), dbSNP rs74001314, ClinGen allele CA8799779.

ClinVar aggregate classification (germline): Benign (0 of 4 stars; one submission).

Conditions:
DNAH17-related disorder. Also called: DNAH17-related condition.

Allele frequency attached by ClinVar (database versions not stated): ExAC 0.00866; gnomAD 0.01966; ESP Exome Variant Server 0.02053; 1000 Genomes Project 0.02137; TOPMed 0.02195; 1000 Genomes Project 30x 0.02280.
gnomAD v4.1: 6,015 of 1,590,902 alleles (0.38%); highest among the groups gnomAD compares: African/African-American, 6.6%; 161 homozygotes.

Submission:

PreventionGenetics, part of Exact Sciences
Classification: Benign for DNAH17-related condition. Last evaluated: 2019-02-18. Review status: no assertion criteria provided. Collection method: clinical testing. Allele origin: germline.
Comment: This variant is classified as benign based on ACMG/AMP sequence variant interpretation guidelines (Richards et al. 2015 PMID: 25741868, with internal and published modifications).